The following is an entry in ClinVar:

ClinVar aggregate classification (germline): Uncertain significance. Review status: criteria provided, multiple submitters, no conflicts (2 of 4 stars). 6 submissions from 6 submitters: Uncertain significance (6). Last evaluated 2026-09-01.

Conditions:
Inborn genetic diseases. Identifiers: MedGen C0950123, MeSH D030342.
Ehlers-Danlos syndrome, musculocontractural type 2 (EDSMC2). Identifiers: Orphanet 2953, MedGen C3809845, MONDO:0014236, OMIM 615539.

Allele frequency attached by ClinVar (database versions not stated): gnomAD 0.00024 and 0.00029; TOPMed 0.00032; ExAC 0.00037; gnomAD exomes 0.00037 and 0.00053; 1000 Genomes Project 0.00040; ESP Exome Variant Server 0.00054; 1000 Genomes Project 30x 0.00062.
gnomAD v4.1: 814 of 1,613,948 alleles (0.05%); highest among the groups gnomAD compares: Non-Finnish European, 0.062%; no homozygotes.

Submissions (6):

CeGaT Center for Human Genetics Tuebingen
Classification: Uncertain significance. Last evaluated: 2026-09-01. Review status: criteria provided, single submitter. Criteria: CeGaT Center For Human Genetics Tuebingen Variant Classification Criteria Version 2. Collection method: clinical testing. Allele origin: germline. Affected: yes. Observed: 3 variant alleles.
Comment: DSE: PP2

Ambry Genetics
Classification: Uncertain significance for Inborn genetic diseases. Last evaluated: 2025-12-11. Review status: criteria provided, single submitter. Criteria: Ambry Variant Classification Scheme 2023. Collection method: clinical testing. Allele origin: germline.

Women's Health and Genetics/Laboratory Corporation of America, LabCorp
Classification: Uncertain significance. Last evaluated: 2025-10-06. Review status: criteria provided, single submitter. Criteria: LabCorp Variant Classification Summary - May 2015. Collection method: clinical testing. Allele origin: germline.
Comment: Variant summary: DSE c.35T>A (p.Phe12Tyr) results in a conservative amino acid change in the encoded protein sequence. Algorithms developed to predict the effect of missense changes on protein structure and function are either unavailable or do not agree on the potential impact of this missense change. The variant allele was found at a frequency of 0.00037 in 251416 control chromosomes. This frequency is not significantly higher than estimated for disease-causing variants in DSE, allowing no conclusion about variant significance. c.35T>A has been observed in individual(s) affected with Rett syndrome, without strong evidence for causality (Grillo_2013). These report(s) do not provide unequivocal conclusions about association of the variant with Ehlers-Danlos syndrome, musculocontractural type 2. To our knowledge, no experimental evidence demonstrating an impact on protein function has been reported. The following publication has been ascertained in the context of this evaluation (PMID: 23468869). ClinVar contains an entry for this variant (Variation ID: 624264). Based on the evidence outlined above, the variant was classified as uncertain significance.

GeneDx
Classification: Uncertain significance. Last evaluated: 2025-10-01. Review status: criteria provided, single submitter. Criteria: GeneDx Variant Classification Process June 2021. Collection method: clinical testing. Allele origin: germline. Affected: yes.
Comment: In silico analysis suggests that this missense variant does not alter protein structure/function; Has not been previously published as pathogenic or benign to our knowledge

Mayo Clinic Laboratories, Mayo Clinic
Classification: Uncertain significance. Last evaluated: 2025-07-21. Review status: criteria provided, single submitter. Criteria: ACMG Guidelines, 2015. Collection method: clinical testing. Allele origin: germline. Observed: 3 variant alleles.
Comment: BP4

Labcorp Genetics (formerly Invitae), Labcorp
Classification: Uncertain significance for Ehlers-Danlos syndrome, musculocontractural type 2. Last evaluated: 2022-10-30. Review status: criteria provided, single submitter. Criteria: Invitae Variant Classification Sherloc (09022015). Collection method: clinical testing. Allele origin: germline.
Comment: This sequence change replaces phenylalanine, which is neutral and non-polar, with tyrosine, which is neutral and polar, at codon 12 of the DSE protein (p.Phe12Tyr). This variant is present in population databases (rs142885560, gnomAD 0.06%). This variant has not been reported in the literature in individuals affected with DSE-related conditions. ClinVar contains an entry for this variant (Variation ID: 624264). Algorithms developed to predict the effect of missense changes on protein structure and function are either unavailable or do not agree on the potential impact of this missense change (SIFT: "Not Available"; PolyPhen-2: "Probably Damaging"; Align-GVGD: "Not Available"). In summary, the available evidence is currently insufficient to determine the role of this variant in disease. Therefore, it has been classified as a Variant of Uncertain Significance.

Literature cited by the submitters: PubMed 23468869 (cited by Women's Health and Genetics/Laboratory Corporation of America, LabCorp).

NM_013352.4(DSE):c.35T>A (p.Phe12Tyr)

Gene: DSE (dermatan sulfate epimerase; plus strand). Cytogenetic location: 6q22.1.
Variant type: single nucleotide variant.
Coding change: c.35T>A on transcript NM_013352.4 (MANE Select); coding-DNA position 35, T replaced by A.
Protein change: p.Phe12Tyr; replaces phenylalanine 12 with tyrosine.
Molecular consequence: missense variant. On other transcripts: 5 prime UTR variant (4), non-coding transcript variant (1).
Genome position (GRCh38, 1-based): chr6:116,399,285, T>A. VCF-style: chr6-116399285-T-A. GRCh37 (hg19) VCF-style: chr6-116720448-T-A.
Other names: p.Phe12Tyr; c.35T>A, p.Phe12Tyr (NM_001080976.3, NM_001322937.2, NM_001322938.2 and 3 more transcripts); c.92T>A, p.Phe31Tyr (NM_001322939.2); c.-523T>A (NM_001322940.2, NM_001322941.2); c.-866T>A (NM_001374520.1); c.-553T>A (NM_001374521.1); short protein forms F12Y, F31Y.
Identifiers: ClinVar variation 624264 (VCV000624264.53), dbSNP rs142885560, ClinGen allele CA3969439.
Genomic context (GRCh38, chr6:116,399,285, plus strand): 5'-TGGAGATTTGGAGATCTGATGCCACGATGAGGACTCACACACGGGGGGCTCCCAGTGTGT[T>A]TTTCATATATTTGCTTTGCTTTGTGTCAGCCTACATCACCGACGAGAACCCAGAAGTTAT-3'
Protein context (NP_037484.1, residues 2-22): RTHTRGAPSV[Phe12Tyr]FIYLLCFVSA